The following is an entry in ClinVar:

NM_025000.4(DCAF17):c.230+3A>G

Gene: DCAF17 (DDB1 and CUL4 associated factor 17; plus strand). Cytogenetic location: 2q31.1.
Variant type: single nucleotide variant.
Coding change: c.230+3A>G on transcript NM_025000.4 (MANE Select); 3 bases into the intron after coding-DNA position 230, A replaced by G.
Molecular consequence: intron variant.
Genome position (GRCh38, 1-based): chr2:171,435,189, A>G. VCF-style: chr2-171435189-A-G. GRCh37 (hg19) VCF-style: chr2-172291699-A-G.
Other names: c.230+3A>G (NM_001164821.2).
Identifiers: ClinVar variation 2142550 (VCV002142550.1), dbSNP rs1161550084, ClinGen allele CA537826942.

ClinVar aggregate classification (germline): Uncertain significance (1 of 4 stars; one submission).

Conditions:
Woodhouse-Sakati syndrome. Also called: EXTRAPYRAMIDAL DISORDER, PROGRESSIVE, WITH PRIMARY HYPOGONADISM, MENTAL RETARDATION, AND ALOPECIA; Hypogonadism, Alopecia, Diabetes Mellitus, Mental Retardation, and Extrapyramidal Syndrome; Hypogonadism, diabetes mellitus, alopecia, mental retardation and electrocardiographic abnormalities. Identifiers: Orphanet 3464, MedGen C0342286, MONDO:0009419, OMIM 241080.

Allele frequency attached by ClinVar (database versions not stated): gnomAD exomes below 0.00001; gnomAD 0.00001.
gnomAD v4.1: 3 of 1,606,232 alleles (0.00019%); highest among the groups gnomAD compares: African/African-American, 0.0027%; no homozygotes.

Submission:

Labcorp Genetics (formerly Invitae), Labcorp
Classification: Uncertain significance for Woodhouse-Sakati syndrome. Last evaluated: 2022-04-04. Review status: criteria provided, single submitter. Criteria: Invitae Variant Classification Sherloc (09022015). Collection method: clinical testing. Allele origin: germline.
Comment: This sequence change falls in intron 2 of the DCAF17 gene. It does not directly change the encoded amino acid sequence of the DCAF17 protein. It affects a nucleotide within the consensus splice site. This variant is present in population databases (no rsID available, gnomAD 0.008%). This variant has not been reported in the literature in individuals affected with DCAF17-related conditions. Variants that disrupt the consensus splice site are a relatively common cause of aberrant splicing (PMID: 17576681, 9536098). Algorithms developed to predict the effect of sequence changes on RNA splicing suggest that this variant is not likely to affect RNA splicing. In summary, the available evidence is currently insufficient to determine the role of this variant in disease. Therefore, it has been classified as a Variant of Uncertain Significance.

Literature cited by the submitters: PubMed 17576681; PubMed 9536098.